The following is an entry in ClinVar:

ClinVar aggregate classification (germline): Uncertain significance. Review status: criteria provided, multiple submitters, no conflicts (2 of 4 stars). 2 submissions from 2 submitters: Uncertain significance (2). Last evaluated 2025-01-24.

Conditions:
Inborn genetic diseases. Identifiers: MedGen C0950123, MeSH D030342.

gnomAD v4.1: 2 of 1,613,774 alleles (0.00012%); highest among the groups gnomAD compares: Non-Finnish European, 0.00017%; no homozygotes.

Submissions (2):

Dasa
Classification: Uncertain significance. Last evaluated: 2025-01-24. Review status: criteria provided, single submitter. Criteria: DASA Assertion Criteria. Collection method: clinical testing. Allele origin: germline.
Comment: NM_018489.3(ASH1L):c.7253G>A (p.Arg2418Gln) is a missense variant that results in the substitution of arginine with glutamine. This variant is rare in population databases. Computational prediction algorithms are consistent with a deleterious effect. The currently available literature and clinical evidence are not sufficient to establish a definitive association between this variant and the reported condition. Therefore, this variant is classified as a variant of uncertain significance.

Ambry Genetics
Classification: Uncertain significance for Inborn genetic diseases. Last evaluated: 2023-11-06. Review status: criteria provided, single submitter. Criteria: Ambry Variant Classification Scheme 2023. Collection method: clinical testing. Allele origin: germline.

NM_018489.3(ASH1L):c.7253G>A (p.Arg2418Gln)

Gene: ASH1L (ASH1 like histone lysine methyltransferase; minus strand). Cytogenetic location: 1q22.
Variant type: single nucleotide variant.
Coding change: c.7253G>A on transcript NM_018489.3 (MANE Select); coding-DNA position 7253, G replaced by A.
Protein change: p.Arg2418Gln; replaces arginine 2418 with glutamine.
Molecular consequence: missense variant.
Genome position (GRCh38, 1-based): chr1:155,352,819, C>T on the plus strand (G>A on the coding strand, the complement: ASH1L is on the minus strand). VCF-style: chr1-155352819-C-T. GRCh37 (hg19) VCF-style: chr1-155322610-C-T.
Other names: c.7268G>A, p.Arg2423Gln (NM_001366177.2); short protein forms R2423Q, R2418Q.
Identifiers: ClinVar variation 3130331 (VCV003130331.3), dbSNP rs1251961569, ClinGen allele CA342745584.